The following is an entry in ClinVar:

ClinVar aggregate classification (germline): Uncertain significance. Review status: criteria provided, multiple submitters, no conflicts (2 of 4 stars). 2 submissions from 2 submitters: Uncertain significance (2). Last evaluated 2024-11-23.

Conditions:
Inborn genetic diseases. Identifiers: MedGen C0950123, MeSH D030342.

Allele frequency attached by ClinVar (database versions not stated): ExAC 0.00001; gnomAD exomes 0.00001 and 0.00004; gnomAD 0.00003; TOPMed 0.00003.
gnomAD v4.1: 66 of 1,611,302 alleles (0.0041%); highest among the groups gnomAD compares: Non-Finnish European, 0.0049%; no homozygotes.

Submissions (2):

Ambry Genetics
Classification: Uncertain significance for Inborn genetic diseases. Last evaluated: 2024-11-23. Review status: criteria provided, single submitter. Criteria: Ambry Variant Classification Scheme 2023. Collection method: clinical testing. Allele origin: germline.

Labcorp Genetics (formerly Invitae), Labcorp
Classification: Uncertain significance. Last evaluated: 2022-08-16. Review status: criteria provided, single submitter. Criteria: Invitae Variant Classification Sherloc (09022015). Collection method: clinical testing. Allele origin: germline.
Comment: In summary, the available evidence is currently insufficient to determine the role of this variant in disease. Therefore, it has been classified as a Variant of Uncertain Significance. Algorithms developed to predict the effect of missense changes on protein structure and function are either unavailable or do not agree on the potential impact of this missense change (SIFT: "Deleterious"; PolyPhen-2: "Possibly Damaging"; Align-GVGD: "Class C0"). ClinVar contains an entry for this variant (Variation ID: 1053388). This variant has not been reported in the literature in individuals affected with DVL3-related conditions. This variant is present in population databases (rs770346865, gnomAD 0.002%). This sequence change replaces leucine, which is neutral and non-polar, with phenylalanine, which is neutral and non-polar, at codon 661 of the DVL3 protein (p.Leu661Phe).

NM_004423.4(DVL3):c.1981C>T (p.Leu661Phe)

Gene: DVL3 (dishevelled segment polarity protein 3; plus strand). Cytogenetic location: 3q27.1.
Variant type: single nucleotide variant.
Coding change: c.1981C>T on transcript NM_004423.4 (MANE Select); coding-DNA position 1981, C replaced by T.
Protein change: p.Leu661Phe; replaces leucine 661 with phenylalanine.
Molecular consequence: missense variant.
Genome position (GRCh38, 1-based): chr3:184,170,585, C>T. VCF-style: chr3-184170585-C-T. GRCh37 (hg19) VCF-style: chr3-183888373-C-T.
Other names: c.1981C>T (NM_004423.3); short protein forms L661F.
Identifiers: ClinVar variation 1053388 (VCV001053388.6), dbSNP rs770346865, ClinGen allele CA2727557.